The following is an entry in ClinVar:

ClinVar aggregate classification (germline): Benign. Review status: criteria provided, multiple submitters, no conflicts (2 of 4 stars). 2 submissions from 2 submitters: Benign (2). Last evaluated 2018-01-13.

Conditions:
Vitamin D-dependent rickets type II with alopecia (VDDR2A). Also called: HYPOCALCEMIC VITAMIN D-RESISTANT RICKETS; Vitamin D-dependent rickets, type 2A; PDDR IIA; PSEUDOVITAMIN D-DEFICIENCY, TYPE IIA; RICKETS, HEREDITARY VITAMIN D-RESISTANT; RICKETS-ALOPECIA SYNDROME. Identifiers: Orphanet 93160, MedGen C0342646, MONDO:0010186, OMIM 277440.

Allele frequency attached by ClinVar (database versions not stated): gnomAD exomes 0.31818; 1000 Genomes Project 0.54333; 1000 Genomes Project 30x 0.54950; gnomAD 0.56542 and 0.57087; TOPMed 0.56597.
gnomAD v4.1: 84,930 of 150,200 alleles (57%); highest among the groups gnomAD compares: African/African-American, 69%; 24,755 homozygotes.

Submissions (2):

Illumina Laboratory Services, Illumina
Classification: Benign for Vitamin D-dependent rickets type II with alopecia. Last evaluated: 2018-01-13. Review status: criteria provided, single submitter. Criteria: ICSL Variant Classification Criteria 13 December 2019. Collection method: clinical testing. Allele origin: germline.
Comment: This variant was observed in the ICSL laboratory as part of a predisposition screen in an ostensibly healthy population. It had not been previously curated by ICSL or reported in the Human Gene Mutation Database (HGMD: prior to June 1st, 2018), and was therefore a candidate for classification through an automated scoring system. Utilizing variant allele frequency, disease prevalence and penetrance estimates, and inheritance mode, an automated score was calculated to assess if this variant is too frequent to cause the disease. Based on the score and internal cut-off values, a variant classified as benign is not then subjected to further curation. The score for this variant resulted in a classification of benign for this disease.

Breakthrough Genomics
Classification: Benign. Review status: criteria provided, single submitter. Criteria: ACMG Guidelines, 2015. Collection method: not provided. Allele origin: germline. Inheritance: Autosomal recessive inheritance. Affected: yes.

NM_000376.3(VDR):c.*2143A>T

Gene: VDR (vitamin D receptor; minus strand). Cytogenetic location: 12q13.11.
Variant type: single nucleotide variant.
Coding change: c.*2143A>T on transcript NM_000376.3 (MANE Select); 2143 bases downstream of the stop codon, A replaced by T.
Molecular consequence: 3 prime UTR variant.
Genome position (GRCh38, 1-based): chr12:47,842,603, T>A on the plus strand (A>T on the coding strand, the complement: VDR is on the minus strand). VCF-style: chr12-47842603-T-A. GRCh37 (hg19) VCF-style: chr12-48236386-T-A.
Other names: c.*2143A>T (NM_001017535.2, NM_001017536.2, NM_001374661.1 and 1 more transcripts); c.*1942A>T (NM_001364085.2).
Identifiers: ClinVar variation 308828 (VCV000308828.6), dbSNP rs2853562, ClinGen allele CA10632842.